The following is an entry in ClinVar:

ClinVar aggregate classification (germline): Uncertain significance (1 of 4 stars; one submission).

Conditions:
Mowat-Wilson syndrome (MOWS). Also called: Classic Mowat-Wilson Syndrome. Identifiers: Orphanet 2152, MedGen C1856113, MONDO:0009341, OMIM 235730.

Submission:

Labcorp Genetics (formerly Invitae), Labcorp
Classification: Uncertain significance for Mowat-Wilson syndrome. Last evaluated: 2024-04-29. Review status: criteria provided, single submitter. Criteria: Invitae Variant Classification Sherloc (09022015). Collection method: clinical testing. Allele origin: germline.
Comment: This sequence change replaces aspartic acid, which is acidic and polar, with asparagine, which is neutral and polar, at codon 654 of the ZEB2 protein (p.Asp654Asn). This variant is not present in population databases (gnomAD no frequency). This variant has not been reported in the literature in individuals affected with ZEB2-related conditions. Advanced modeling of protein sequence and biophysical properties (such as structural, functional, and spatial information, amino acid conservation, physicochemical variation, residue mobility, and thermodynamic stability) performed at Invitae indicates that this missense variant is not expected to disrupt ZEB2 protein function with a negative predictive value of 80%. In summary, the available evidence is currently insufficient to determine the role of this variant in disease. Therefore, it has been classified as a Variant of Uncertain Significance.

NM_014795.4(ZEB2):c.1960G>A (p.Asp654Asn)

Gene: ZEB2 (zinc finger E-box binding homeobox 2; minus strand). Cytogenetic location: 2q22.3.
Variant type: single nucleotide variant.
Coding change: c.1960G>A on transcript NM_014795.4 (MANE Select); coding-DNA position 1960, G replaced by A.
Protein change: p.Asp654Asn; replaces aspartic acid 654 with asparagine.
Molecular consequence: missense variant.
Genome position (GRCh38, 1-based): chr2:144,399,227, C>T on the plus strand (G>A on the coding strand, the complement: ZEB2 is on the minus strand). VCF-style: chr2-144399227-C-T. GRCh37 (hg19) VCF-style: chr2-145156794-C-T.
Other names: c.1888G>A, p.Asp630Asn (NM_001171653.2); short protein forms D630N, D654N.
Identifiers: ClinVar variation 3646646 (VCV003646646.2).